The following is an entry in ClinVar:

NM_004369.4(COL6A3):c.1922T>C (p.Ile641Thr)

Gene: COL6A3 (collagen type VI alpha 3 chain; minus strand). Cytogenetic location: 2q37.3.
Variant type: single nucleotide variant.
Coding change: c.1922T>C on transcript NM_004369.4 (MANE Select); coding-DNA position 1922, T replaced by C.
Protein change: p.Ile641Thr; replaces isoleucine 641 with threonine.
Molecular consequence: missense variant. On other transcripts: intron variant (1).
Genome position (GRCh38, 1-based): chr2:237,379,211, A>G on the plus strand (T>C on the coding strand, the complement: COL6A3 is on the minus strand). VCF-style: chr2-237379211-A-G. GRCh37 (hg19) VCF-style: chr2-238287854-A-G.
Other names: c.701T>C, p.Ile234Thr (NM_057164.5); c.1304T>C, p.Ile435Thr (NM_057165.5, NM_057167.4); c.676+1704T>C (NM_057166.5); short protein forms I234T, I435T, I641T.
Identifiers: ClinVar variation 2196199 (VCV002196199.5), dbSNP rs921994834, ClinGen allele CA67827136.

ClinVar aggregate classification (germline): Uncertain significance. Review status: criteria provided, multiple submitters, no conflicts (2 of 4 stars). 2 submissions from 2 submitters: Uncertain significance (2). Last evaluated 2025-05-30.

Conditions:
Bethlem myopathy 1A. Also called: Bethlem Muscular Dystrophy; MYOPATHY, BENIGN CONGENITAL, WITH CONTRACTURES; Bethlem myopathy 1. Identifiers: Orphanet 610, MedGen CN029274, MONDO:0024530, OMIM 158810.
Inborn genetic diseases. Identifiers: MedGen C0950123, MeSH D030342.

Allele frequency attached by ClinVar (database versions not stated): gnomAD exomes below 0.00001; gnomAD 0.00001; TOPMed 0.00005.
gnomAD v4.1: 4 of 1,614,120 alleles (0.00025%); highest among the groups gnomAD compares: East Asian, 0.0022%; no homozygotes.

Submissions (2):

Labcorp Genetics (formerly Invitae), Labcorp
Classification: Uncertain significance for Bethlem myopathy 1A. Last evaluated: 2025-05-30. Review status: criteria provided, single submitter. Criteria: Invitae Variant Classification Sherloc (09022015). Collection method: clinical testing. Allele origin: germline.
Comment: This sequence change replaces isoleucine, which is neutral and non-polar, with threonine, which is neutral and polar, at codon 641 of the COL6A3 protein (p.Ile641Thr). This variant is not present in population databases (gnomAD no frequency). This variant has not been reported in the literature in individuals affected with COL6A3-related conditions. ClinVar contains an entry for this variant (Variation ID: 2196199). Invitae Evidence Modeling of protein sequence and biophysical properties (such as structural, functional, and spatial information, amino acid conservation, physicochemical variation, residue mobility, and thermodynamic stability) indicates that this missense variant is not expected to disrupt COL6A3 protein function with a negative predictive value of 95%. In summary, the available evidence is currently insufficient to determine the role of this variant in disease. Therefore, it has been classified as a Variant of Uncertain Significance.

Ambry Genetics
Classification: Uncertain significance for Inborn genetic diseases. Last evaluated: 2024-03-01. Review status: criteria provided, single submitter. Criteria: Ambry Variant Classification Scheme 2023. Collection method: clinical testing. Allele origin: germline.